The following is an entry in ClinVar:

NM_001849.4(COL6A2):c.936T>C (p.Phe312=)

Gene: COL6A2 (collagen type VI alpha 2 chain; plus strand). Cytogenetic location: 21q22.3.
Variant type: single nucleotide variant.
Coding change: c.936T>C on transcript NM_001849.4 (MANE Select); coding-DNA position 936, T replaced by C.
Protein change: p.Phe312=; no amino-acid change (phenylalanine 312 retained).
Molecular consequence: synonymous variant.
Genome position (GRCh38, 1-based): chr21:46,116,659, T>C. VCF-style: chr21-46116659-T-C. GRCh37 (hg19) VCF-style: chr21-47536573-T-C.
Other names: c.936T>C, p.Phe312= (NM_058174.3, NM_058175.3).
Identifiers: ClinVar variation 2076212 (VCV002076212.7), dbSNP rs770813030, ClinGen allele CA10071558.
Genomic context (GRCh38, chr21:46,116,659, plus strand): 5'-CCATGATGCTTTGAGGCACCGAGCTCACTGCGCCGGCTTTCCTCCTACACAGGGTGAATT[T>C]GGAGCCGACGGTCGCAAGGTAGGCTGGCTGGGTAGGCAGAGCCCCTCCTTCCTGCTGCTC-3'
Protein context (NP_001840.3, residues 302-322): VPGFKGEKGE[Phe312=]GADGRKGAPG

ClinVar aggregate classification (germline): Likely benign. Review status: criteria provided, multiple submitters, no conflicts (2 of 4 stars). 3 submissions from 3 submitters: Likely benign (2). 1 of the submissions does not count toward it. Last evaluated 2026-08-01.

Conditions:
Bethlem myopathy 1A. Also called: MYOPATHY, BENIGN CONGENITAL, WITH CONTRACTURES; Bethlem myopathy 1; Bethlem Muscular Dystrophy. Identifiers: Orphanet 610, MedGen CN029274, MONDO:0024530, OMIM 158810.
COL6A2-related disorder.

Allele frequency attached by ClinVar (database versions not stated): ExAC 0.00001; gnomAD 0.00001; gnomAD exomes 0.00001; TOPMed 0.00001.
gnomAD v4.1: 12 of 1,612,998 alleles (0.00074%); highest among the groups gnomAD compares: Middle Eastern, 0.016%; no homozygotes.

Submissions (3):

CeGaT Center for Human Genetics Tuebingen
Classification: Likely benign. Last evaluated: 2026-08-01. Review status: criteria provided, single submitter. Criteria: CeGaT Center For Human Genetics Tuebingen Variant Classification Criteria Version 2. Collection method: clinical testing. Allele origin: germline. Affected: yes. Observed: 1 variant allele.
Comment: COL6A2: BP4, BP7

Labcorp Genetics (formerly Invitae), Labcorp
Classification: Likely benign for Bethlem myopathy 1A. Last evaluated: 2023-05-23. Review status: criteria provided, single submitter. Criteria: Invitae Variant Classification Sherloc (09022015). Collection method: clinical testing. Allele origin: germline.

PreventionGenetics, part of Exact Sciences
Classification: Likely benign for COL6A2-related condition. Last evaluated: 2019-06-19. Review status: no assertion criteria provided. Collection method: clinical testing. Allele origin: germline. Not counted in ClinVar's aggregate classification.
Comment: This variant is classified as likely benign based on ACMG/AMP sequence variant interpretation guidelines (Richards et al. 2015 PMID: 25741868, with internal and published modifications).